The following is an entry in ClinVar:

ClinVar aggregate classification (germline): Uncertain significance. Review status: criteria provided, multiple submitters, no conflicts (2 of 4 stars). 5 submissions from 5 submitters: Uncertain significance (5). Last evaluated 2024-04-16.

Conditions:
Upshaw-Schulman syndrome (TTP). Also called: THROMBOTIC THROMBOCYTOPENIC PURPURA, HEREDITARY; Congenital thrombotic thrombocytopenic purpura. Identifiers: Orphanet 93583, MedGen C1268935, MONDO:0010122, OMIM 274150.

Allele frequency attached by ClinVar (database versions not stated): gnomAD exomes 0.00004 and 0.00006; ExAC 0.00005; gnomAD 0.00006; TOPMed 0.00018; 1000 Genomes Project 0.00020.
gnomAD v4.1: 71 of 1,613,444 alleles (0.0044%); highest among the groups gnomAD compares: Admixed American, 0.023%; no homozygotes.

Submissions (5):

Fulgent Genetics
Classification: Uncertain significance for Upshaw-Schulman syndrome. Last evaluated: 2024-04-16. Review status: criteria provided, single submitter. Criteria: ACMG Guidelines, 2015. Collection method: clinical testing. Allele origin: germline.

Blueprint Genetics
Classification: Uncertain significance. Last evaluated: 2023-12-29. Review status: criteria provided, single submitter. Criteria: ACMG Guidelines, 2015. Collection method: clinical testing. Allele origin: germline.

Mayo Clinic Laboratories, Mayo Clinic
Classification: Uncertain significance. Last evaluated: 2022-08-10. Review status: criteria provided, single submitter. Criteria: ACMG Guidelines, 2015. Collection method: clinical testing. Allele origin: germline. Observed: 3 variant alleles.
Comment: BP4

Labcorp Genetics (formerly Invitae), Labcorp
Classification: Uncertain significance. Last evaluated: 2022-07-23. Review status: criteria provided, single submitter. Criteria: Invitae Variant Classification Sherloc (09022015). Collection method: clinical testing. Allele origin: germline.
Comment: This sequence change replaces alanine, which is neutral and non-polar, with valine, which is neutral and non-polar, at codon 1238 of the ADAMTS13 protein (p.Ala1238Val). This variant is present in population databases (rs587697598, gnomAD 0.02%). This variant has not been reported in the literature in individuals affected with ADAMTS13-related conditions. ClinVar contains an entry for this variant (Variation ID: 914776). Algorithms developed to predict the effect of missense changes on protein structure and function output the following: SIFT: "Tolerated"; PolyPhen-2: "Benign"; Align-GVGD: "Class C0". The valine amino acid residue is found in multiple mammalian species, which suggests that this missense change does not adversely affect protein function. Algorithms developed to predict the effect of sequence changes on RNA splicing suggest that this variant may create or strengthen a splice site. In summary, the available evidence is currently insufficient to determine the role of this variant in disease. Therefore, it has been classified as a Variant of Uncertain Significance.

Illumina Laboratory Services, Illumina
Classification: Uncertain significance for Upshaw-Schulman syndrome. Last evaluated: 2018-01-13. Review status: criteria provided, single submitter. Criteria: ICSL Variant Classification Criteria 13 December 2019. Collection method: clinical testing. Allele origin: germline.

NM_139027.6(ADAMTS13):c.3545C>T (p.Ala1182Val)

Gene: ADAMTS13 (ADAM metallopeptidase with thrombospondin type 1 motif 13; plus strand). Cytogenetic location: 9q34.2.
Variant type: single nucleotide variant.
Coding change: c.3545C>T on transcript NM_139027.6 (MANE Select); coding-DNA position 3545, C replaced by T.
Protein change: p.Ala1182Val; replaces alanine 1182 with valine.
Molecular consequence: missense variant. On other transcripts: non-coding transcript variant (1).
Genome position (GRCh38, 1-based): chr9:133,456,213, C>T. VCF-style: chr9-133456213-C-T. GRCh37 (hg19) VCF-style: chr9-136321335-C-T.
Other names: p.Ala1238Val; c.3713C>T, p.Ala1238Val (NM_139025.5); c.3452C>T, p.Ala1151Val (NM_139026.6); short protein forms A1151V, A1238V, A1182V.
Identifiers: ClinVar variation 914776 (VCV000914776.9), dbSNP rs587697598, ClinGen allele CA200944879.